The following is an entry in ClinVar:

ClinVar aggregate classification (germline): Uncertain significance (1 of 4 stars; one submission).

Conditions:
RFX6-related disorder. Also called: RFX6-related condition.

gnomAD v4.1: 128 of 1,611,010 alleles (0.0079%); highest among the groups gnomAD compares: Non-Finnish European, 0.0099%; no homozygotes.

Submission:

PreventionGenetics, part of Exact Sciences
Classification: Uncertain significance for RFX6-related condition. Last evaluated: 2026-05-07. Review status: criteria provided, single submitter. Criteria: ACMG Guidelines, 2015. Collection method: clinical testing. Allele origin: germline.
Comment: The RFX6 c.237C>T variant is not predicted to result in an amino acid change (p.=). To our knowledge, this variant has not been reported in the literature. This variant is predicted to alter splicing based on available splicing prediction programs (SpliceAI, Jaganathan et al. 2019. PubMed ID: 30661751). However, the use of computer prediction programs is not equivalent to functional evidence. This variant is reported in 0.014% of alleles in individuals of Latino descent in gnomAD. At this time, the clinical significance of this variant is uncertain due to the absence of conclusive functional and genetic evidence.

NM_173560.4(RFX6):c.237C>T (p.Asn79=)

Gene: RFX6 (regulatory factor X6; plus strand). Cytogenetic location: 6q22.1.
Variant type: single nucleotide variant.
Coding change: c.237C>T on transcript NM_173560.4 (MANE Select); coding-DNA position 237, C replaced by T.
Protein change: p.Asn79=; no amino-acid change (asparagine 79 retained).
Molecular consequence: synonymous variant.
Genome position (GRCh38, 1-based): chr6:116,877,809, C>T. VCF-style: chr6-116877809-C-T. GRCh37 (hg19) VCF-style: chr6-117198972-C-T.
Identifiers: ClinVar variation 4981075 (VCV004981075.1).
Genomic context (GRCh38, chr6:116,877,809, plus strand): 5'-GATTTTATATTCTATTTTTCTTTATCATCCCTTCAACTGGCAATCAGAAATGCACTTAAA[C>T]AATGGTAACTTTTCCTCTGAAGAAGAGGACGCCGACAACCACGACAGCAAAACCAAAGCA-3'
Protein context (NP_775831.2, residues 69-89): PGAVKSEMHL[Asn79=]NGNFSSEEED